The following is an entry in ClinVar:

NM_201384.3(PLEC):c.5146A>G (p.Ile1716Val)

Gene: PLEC (plectin; minus strand). Cytogenetic location: 8q24.3.
Variant type: single nucleotide variant.
Coding change: c.5146A>G on transcript NM_201384.3 (MANE Select); coding-DNA position 5146, A replaced by G.
Protein change: p.Ile1716Val; replaces isoleucine 1716 with valine.
Molecular consequence: missense variant.
Genome position (GRCh38, 1-based): chr8:143,924,783, T>C on the plus strand (A>G on the coding strand, the complement: PLEC is on the minus strand). VCF-style: chr8-143924783-T-C. GRCh37 (hg19) VCF-style: chr8-144998951-T-C.
Other names: c.5227A>G, p.Ile1743Val (NM_000445.5); c.5104A>G, p.Ile1702Val (NM_201378.4); c.5080A>G, p.Ile1694Val (NM_201379.3); c.5557A>G, p.Ile1853Val (NM_201380.4); c.5050A>G, p.Ile1684Val (NM_201381.3); c.5146A>G, p.Ile1716Val (NM_201382.4); c.5158A>G, p.Ile1720Val (NM_201383.3); short protein forms I1684V, I1694V, I1716V, I1743V, I1702V, I1853V, I1720V.
Identifiers: ClinVar variation 1469590 (VCV001469590.6), dbSNP rs2131424028, ClinGen allele CA372549249.

ClinVar aggregate classification (germline): Uncertain significance (1 of 4 stars; one submission).

Conditions:
Epidermolysis bullosa simplex 5B, with muscular dystrophy (EBS5B). Also called: EPIDERMOLYSIS BULLOSA SIMPLEX AND LIMB-GIRDLE MUSCULAR DYSTROPHY; Epidermolysis bullosa simplex with muscular dystrophy. Identifiers: Orphanet 257, MedGen C2931072, MONDO:0009181, OMIM 226670.
Epidermolysis bullosa simplex, Ogna type (EBS5A). Also called: Pidermolysis bullosa simplex 5A, Ogna type; EPIDERMOLYSIS BULLOSA SIMPLEX 5A, OGNA TYPE. Identifiers: Orphanet 79401, MedGen C0432317, MONDO:0007555, OMIM 131950.
Epidermolysis bullosa simplex with nail dystrophy (EBS5D). Identifiers: MedGen C4225309, MONDO:0014661, OMIM 616487.
Autosomal recessive limb-girdle muscular dystrophy type 2Q (LGMDR17). Also called: MUSCULAR DYSTROPHY, LIMB-GIRDLE, AUTOSOMAL RECESSIVE 17. Identifiers: Orphanet 254361, MedGen C3150989, MONDO:0013390, OMIM 613723.
Epidermolysis bullosa simplex 5C, with pyloric atresia (EBS5C). Also called: PLEC1-Related Epidermolysis Bullosa with Pyloric Atresia; PLEC-Related Epidermolysis Bullosa with Pyloric Atresia; Epidermolysis bullosa simplex with pyloric atresia. Identifiers: Orphanet 158684, MedGen C2677349, MONDO:0012807, OMIM 612138.

Submission:

Labcorp Genetics (formerly Invitae), Labcorp
Classification: Uncertain significance for Autosomal recessive limb-girdle muscular dystrophy type 2Q; Epidermolysis bullosa simplex, Ogna type; Epidermolysis bullosa simplex with nail dystrophy; Epidermolysis bullosa simplex 5C, with pyloric atresia; Epidermolysis bullosa simplex 5B, with muscular dystrophy. Last evaluated: 2024-10-18. Review status: criteria provided, single submitter. Criteria: Invitae Variant Classification Sherloc (09022015). Collection method: clinical testing. Allele origin: germline.
Comment: This sequence change replaces isoleucine, which is neutral and non-polar, with valine, which is neutral and non-polar, at codon 1743 of the PLEC protein (p.Ile1743Val). This variant is not present in population databases (gnomAD no frequency). This variant has not been reported in the literature in individuals affected with PLEC-related conditions. ClinVar contains an entry for this variant (Variation ID: 1469590). Invitae Evidence Modeling of protein sequence and biophysical properties (such as structural, functional, and spatial information, amino acid conservation, physicochemical variation, residue mobility, and thermodynamic stability) indicates that this missense variant is not expected to disrupt PLEC protein function with a negative predictive value of 80%. In summary, the available evidence is currently insufficient to determine the role of this variant in disease. Therefore, it has been classified as a Variant of Uncertain Significance.